The following is an entry in ClinVar:

ClinVar aggregate classification (germline): Uncertain significance (1 of 4 stars; one submission).

Conditions:
Anemia, nonspherocytic hemolytic, due to G6PD deficiency (CNSHA1). Also called: Class I glucose-6-phosphate dehydrogenase deficiency; Favism, susceptibility to; Hemolytic anemia due to G6PD deficiency; ANEMIA, CONGENITAL, NONSPHEROCYTIC HEMOLYTIC, 1. Identifiers: Orphanet 466026, MedGen C2720289, MONDO:0010480, OMIM 300908.

Allele frequency attached by ClinVar (database versions not stated): TOPMed 0.00001; gnomAD exomes 0.00002; gnomAD 0.00003.
gnomAD v4.1: 24 of 1,209,883 alleles (0.002%); highest among the groups gnomAD compares: East Asian, 0.068%; no homozygotes.

Submission:

Labcorp Genetics (formerly Invitae), Labcorp
Classification: Uncertain significance for Anemia, nonspherocytic hemolytic, due to G6PD deficiency. Last evaluated: 2023-09-09. Review status: criteria provided, single submitter. Criteria: Invitae Variant Classification Sherloc (09022015). Collection method: clinical testing. Allele origin: germline.
Comment: In summary, the available evidence is currently insufficient to determine the role of this variant in disease. Therefore, it has been classified as a Variant of Uncertain Significance. Advanced modeling of protein sequence and biophysical properties (such as structural, functional, and spatial information, amino acid conservation, physicochemical variation, residue mobility, and thermodynamic stability) performed at Invitae indicates that this missense variant is not expected to disrupt G6PD protein function. This variant has not been reported in the literature in individuals affected with G6PD-related conditions. This variant is not present in population databases (gnomAD no frequency). This sequence change replaces glutamine, which is neutral and polar, with histidine, which is basic and polar, at codon 28 of the G6PD protein (p.Gln28His).

NM_001360016.2(G6PD):c.84G>T (p.Gln28His)

Genes: G6PD (glucose-6-phosphate dehydrogenase; minus strand), IKBKG (inhibitor of nuclear factor kappa B kinase regulatory subunit gamma; plus strand). Cytogenetic location: Xq28.
Variant type: single nucleotide variant.
Coding change: c.84G>T on transcript NM_001360016.2 (MANE Select); coding-DNA position 84, G replaced by T.
Protein change: p.Gln28His; replaces glutamine 28 with histidine.
Molecular consequence: missense variant. On other transcripts: intron variant (4).
Genome position (GRCh38, 1-based): chrX:154,546,072, C>A on the plus strand (G>T on the coding strand, the complement: G6PD is on the minus strand). VCF-style: chrX-154546072-C-A. GRCh37 (hg19) VCF-style: chrX-153774287-C-A.
Other names: c.174G>T, p.Gln58His (NM_000402.4); c.84G>T, p.Gln28His (NM_001042351.3); c.-16+4681C>A (NM_001377312.1, NM_001377313.1); c.189+3620C>A (NM_001099856.6); c.-16+3685C>A (NM_001321396.3); short protein forms Q28H, Q58H.
Identifiers: ClinVar variation 2722002 (VCV002722002.1), dbSNP rs969180243, ClinGen allele CA337293003.